The following is an entry in ClinVar:

NM_001009944.3(PKD1):c.12790C>T (p.Pro4264Ser)

Gene: PKD1 (polycystin 1, transient receptor potential channel interacting; minus strand). Cytogenetic location: 16p13.3.
Variant type: single nucleotide variant.
Coding change: c.12790C>T on transcript NM_001009944.3 (MANE Select); coding-DNA position 12790, C replaced by T.
Protein change: p.Pro4264Ser; replaces proline 4264 with serine.
Molecular consequence: missense variant.
Genome position (GRCh38, 1-based): chr16:2,089,849, G>A on the plus strand (C>T on the coding strand, the complement: PKD1 is on the minus strand). VCF-style: chr16-2089849-G-A. GRCh37 (hg19) VCF-style: chr16-2139850-G-A.
Other names: c.12787C>T, p.Pro4263Ser (NM_000296.4); short protein forms P4263S, P4264S.
Identifiers: ClinVar variation 3602876 (VCV003602876.2).

ClinVar aggregate classification (germline): Uncertain significance (1 of 4 stars; one submission).

gnomAD v4.1: 11 of 1,607,550 alleles (0.00068%); highest among the groups gnomAD compares: Non-Finnish European, 0.00093%; no homozygotes.

Submission:

GeneDx
Classification: Uncertain significance. Last evaluated: 2025-11-20. Review status: criteria provided, single submitter. Criteria: GeneDx Variant Classification Process June 2021. Collection method: clinical testing. Allele origin: germline.
Comment: Not observed at significant frequency in large population cohorts (gnomAD); In silico analysis suggests that this missense variant does not alter protein structure/function; Has not been previously published as pathogenic or benign to our knowledge